The following is an entry in ClinVar:

ClinVar aggregate classification (germline): Uncertain significance. Review status: criteria provided, multiple submitters, no conflicts (2 of 4 stars). 2 submissions from 2 submitters: Uncertain significance (2). Last evaluated 2024-06-08.

gnomAD v4.1: 1 of 1,611,436 alleles (0.000062%); highest among the groups gnomAD compares: Non-Finnish European, 0.000085%; no homozygotes.

Submissions (2):

Ambry Genetics
Classification: Uncertain significance. Last evaluated: 2024-06-08. Review status: criteria provided, single submitter. Criteria: Ambry Variant Classification Scheme 2023. Collection method: clinical testing. Allele origin: germline.
Comment: The p.K1057E variant (also known as c.3169A>G), located in coding exon 17 of the NPAT gene, results from an A to G substitution at nucleotide position 3169. The lysine at codon 1057 is replaced by glutamic acid, an amino acid with similar properties. This amino acid position is conserved. In addition, this alteration is predicted to be tolerated by in silico analysis. Since supporting evidence is limited at this time, the clinical significance of this alteration remains unclear.

Labcorp Genetics (formerly Invitae), Labcorp
Classification: Uncertain significance. Last evaluated: 2022-09-03. Review status: criteria provided, single submitter. Criteria: Invitae Variant Classification Sherloc (09022015). Collection method: clinical testing. Allele origin: germline.
Comment: This variant is present in population databases (rs773865494, gnomAD 0.0009%). In summary, the available evidence is currently insufficient to determine the role of this variant in disease. Therefore, it has been classified as a Variant of Uncertain Significance. Algorithms developed to predict the effect of missense changes on protein structure and function are either unavailable or do not agree on the potential impact of this missense change (SIFT: "Deleterious"; PolyPhen-2: "Possibly Damaging"; Align-GVGD: "Class C0"). This variant has not been reported in the literature in individuals affected with NPAT-related conditions. This sequence change replaces lysine, which is basic and polar, with glutamic acid, which is acidic and polar, at codon 1057 of the NPAT protein (p.Lys1057Glu).

NM_002519.3(NPAT):c.3169A>G (p.Lys1057Glu)

Gene: NPAT (nuclear protein, coactivator of histone transcription; minus strand). Cytogenetic location: 11q22.3.
Variant type: single nucleotide variant.
Coding change: c.3169A>G on transcript NM_002519.3 (MANE Select); coding-DNA position 3169, A replaced by G.
Protein change: p.Lys1057Glu; replaces lysine 1057 with glutamic acid.
Molecular consequence: missense variant.
Genome position (GRCh38, 1-based): chr11:108,161,917, T>C on the plus strand (A>G on the coding strand, the complement: NPAT is on the minus strand). VCF-style: chr11-108161917-T-C. GRCh37 (hg19) VCF-style: chr11-108032644-T-C.
Other names: c.3190A>G, p.Lys1064Glu (NM_001321307.1); short protein forms K1064E, K1057E.
Identifiers: ClinVar variation 1728393 (VCV001728393.8), dbSNP rs773865494, ClinGen allele CA6263630.
Genomic context (GRCh38, chr11:108,161,917, plus strand): 5'-GCGTATTTGCCACAGGAGCAGTAGTGCTGTCGAAACAGAGTACACGTCTGTGGCATGGTT[T>C]AGCAGCTGGAACTATACTCTCTTCTGGGAAGGGAACTGTGGTTTCTTCTGATTTTTTCCC-3'
Protein context (NP_002510.2, residues 1047-1067): FPEESIVPAA[Lys1057Glu]PCHRRVLCFD